The following is an entry in ClinVar:

NM_002458.3(MUC5B):c.12914C>T (p.Ala4305Val)

Gene: MUC5B (mucin 5B, oligomeric mucus/gel-forming; plus strand). Cytogenetic location: 11p15.5.
Variant type: single nucleotide variant.
Coding change: c.12914C>T on transcript NM_002458.3 (MANE Select); coding-DNA position 12914, C replaced by T.
Protein change: p.Ala4305Val; replaces alanine 4305 with valine.
Molecular consequence: missense variant.
Genome position (GRCh38, 1-based): chr11:1,249,794, C>T. VCF-style: chr11-1249794-C-T. GRCh37 (hg19) VCF-style: chr11-1271024-C-T.
Other names: short protein forms A4305V.
Identifiers: ClinVar variation 3388015 (VCV003388015.14).

ClinVar aggregate classification (germline): Likely benign (1 of 4 stars; one submission).

Submission:

CeGaT Center for Human Genetics Tuebingen
Classification: Likely benign. Last evaluated: 2024-10-01. Review status: criteria provided, single submitter. Criteria: CeGaT Center For Human Genetics Tuebingen Variant Classification Criteria Version 2. Collection method: clinical testing. Allele origin: germline. Affected: yes. Observed: 1 variant allele.
Comment: MUC5B: BP4, BS1